The following is an entry in ClinVar:

NM_001384900.1(SEMA3D):c.1901G>A (p.Arg634Gln)

Gene: SEMA3D (semaphorin 3D; minus strand). Cytogenetic location: 7q21.11.
Variant type: single nucleotide variant.
Coding change: c.1901G>A on transcript NM_001384900.1 (MANE Select); coding-DNA position 1901, G replaced by A.
Protein change: p.Arg634Gln; replaces arginine 634 with glutamine.
Molecular consequence: missense variant.
Genome position (GRCh38, 1-based): chr7:85,006,809, C>T on the plus strand (G>A on the coding strand, the complement: SEMA3D is on the minus strand). VCF-style: chr7-85006809-C-T. GRCh37 (hg19) VCF-style: chr7-84636125-C-T.
Other names: c.1901G>A, p.Arg634Gln (NM_001384901.1, NM_001384902.1, NM_001384903.1 and 1 more transcripts); short protein forms R634Q.
Identifiers: ClinVar variation 3055058 (VCV003055058.3), dbSNP rs370785183, ClinGen allele CA4323263.

ClinVar aggregate classification (germline): Uncertain significance (1 of 4 stars; one submission).

Conditions:
SEMA3D-related disorder. Also called: SEMA3D-related condition.

Allele frequency attached by ClinVar (database versions not stated): ESP Exome Variant Server 0.00015; ExAC 0.00018; TOPMed 0.00026; gnomAD 0.00033; gnomAD exomes 0.00036.
gnomAD v4.1: 567 of 1,590,066 alleles (0.036%); highest among the groups gnomAD compares: Non-Finnish European, 0.042%; 1 homozygote.

Submission:

PreventionGenetics, part of Exact Sciences
Classification: Uncertain significance for SEMA3D-related condition. Last evaluated: 2026-06-22. Review status: criteria provided, single submitter. Criteria: ACMG Guidelines, 2015. Collection method: clinical testing. Allele origin: germline.
Comment: The SEMA3D c.1901G>A variant is predicted to result in the amino acid substitution p.Arg634Gln. This variant has been reported in individuals with Hirschsprung disease (Luzón-Toro et al. 2013. PubMed ID: 23372769; Jiang et al. 2015. PubMed ID: 25839327). This variant is reported in 0.033% of alleles in individuals of African descent in gnomAD. At this time, the clinical significance of this variant is uncertain due to the absence of conclusive functional and genetic evidence.